The following is an entry in ClinVar:

ClinVar aggregate classification (germline): Uncertain significance. Review status: criteria provided, multiple submitters, no conflicts (2 of 4 stars). 3 submissions from 3 submitters: Uncertain significance (3). Last evaluated 2025-11-04.

Conditions:
Ataxia-telangiectasia syndrome (AT). Also called: Ataxia-telangiectasia, complementation group D; AT, COMPLEMENTATION GROUP C; ATAXIA-TELANGIECTASIA, COMPLEMENTATION GROUP A; ATAXIA-TELANGIECTASIA, FRESNO VARIANT; Ataxia-telangiectasia; Ataxia-telangiectasia, complementation group E. Identifiers: Orphanet 100, MedGen C0004135, MONDO:0008840, OMIM 208900.
Hereditary cancer-predisposing syndrome. Also called: Neoplastic Syndromes, Hereditary; Tumor predisposition; Hereditary Cancer Syndrome; Hereditary neoplastic syndrome. Identifiers: Orphanet 140162, MedGen C0027672, MeSH D009386, MONDO:0015356.

Submissions (3):

Ambry Genetics
Classification: Uncertain significance for Hereditary cancer-predisposing syndrome. Last evaluated: 2025-11-04. Review status: criteria provided, single submitter. Criteria: Ambry Variant Classification Scheme 2023. Collection method: clinical testing. Allele origin: germline.
Comment: The p.I2471F variant (also known as c.7411A>T), located in coding exon 49 of the ATM gene, results from an A to T substitution at nucleotide position 7411. The isoleucine at codon 2471 is replaced by phenylalanine, an amino acid with highly similar properties. This amino acid position is highly conserved in available vertebrate species. In addition, the in silico prediction for this alteration is inconclusive. Based on the available evidence, the clinical significance of this variant remains unclear.

Labcorp Genetics (formerly Invitae), Labcorp
Classification: Uncertain significance for Ataxia-telangiectasia syndrome. Last evaluated: 2024-04-27. Review status: criteria provided, single submitter. Criteria: Invitae Variant Classification Sherloc (09022015). Collection method: clinical testing. Allele origin: germline.
Comment: This sequence change replaces isoleucine, which is neutral and non-polar, with phenylalanine, which is neutral and non-polar, at codon 2471 of the ATM protein (p.Ile2471Phe). This variant is not present in population databases (gnomAD no frequency). This variant has not been reported in the literature in individuals affected with ATM-related conditions. An algorithm developed to predict the effect of missense changes on protein structure and function (PolyPhen-2) suggests that this variant is likely to be disruptive. In summary, the available evidence is currently insufficient to determine the role of this variant in disease. Therefore, it has been classified as a Variant of Uncertain Significance.

Blueprint Genetics
Classification: Uncertain significance. Last evaluated: 2022-06-14. Review status: criteria provided, single submitter. Criteria: ACMG Guidelines, 2015. Collection method: clinical testing. Allele origin: germline.

NM_000051.4(ATM):c.7411A>T (p.Ile2471Phe)

Genes: ATM (ATM serine/threonine kinase; plus strand), C11orf65 (chromosome 11 open reading frame 65; minus strand). Cytogenetic location: 11q22.3.
Variant type: single nucleotide variant.
Coding change: c.7411A>T on transcript NM_000051.4 (MANE Select); coding-DNA position 7411, A replaced by T.
Protein change: p.Ile2471Phe; replaces isoleucine 2471 with phenylalanine.
Molecular consequence: missense variant. On other transcripts: intron variant (2).
Genome position (GRCh38, 1-based): chr11:108,330,317, A>T. VCF-style: chr11-108330317-A-T. GRCh37 (hg19) VCF-style: chr11-108201044-A-T.
Other names: c.7411A>T, p.Ile2471Phe (NM_001351834.2); c.641-21246T>A (NM_001330368.2); c.*38+4903T>A (NM_001351110.2); short protein forms I2471F.
Identifiers: ClinVar variation 3651310 (VCV003651310.3).